The following is an entry in ClinVar:

ClinVar aggregate classification (germline): Conflicting classifications of pathogenicity. Review status: criteria provided, conflicting classifications (1 of 4 stars). 9 submissions from 8 submitters: Uncertain significance (6); Benign (1); Likely benign (2). Last evaluated 2026-06-12.

Conditions:
Meckel syndrome, type 1 (MKS1). Also called: MECKEL-GRUBER SYNDROME, TYPE 1. Identifiers: Orphanet 564, MedGen C3714506, MONDO:0009571, OMIM 249000.
Joubert syndrome 28 (JBTS28). Identifiers: MedGen C4310705, MONDO:0014928, OMIM 617121.
Bardet-Biedl syndrome 13 (BBS13). Identifiers: Orphanet 110, MedGen C2673873, MONDO:0014441, OMIM 615990.
MKS1-related disorder. Also called: MKS1-related disorders; MKS1-related condition. Identifiers: MedGen CN239382.
Inborn genetic diseases. Identifiers: MedGen C0950123, MeSH D030342.
Meckel-Gruber syndrome. Also called: GRUBER SYNDROME; DYSENCEPHALIA SPLANCHNOCYSTICA; Dysencephalia splachnocystica. Identifiers: Orphanet 564, MedGen C0265215, MONDO:0018921.
Joubert syndrome. Also called: JOUBERT-BOLTSHAUSER SYNDROME; Familial aplasia of the vermis. Identifiers: Orphanet 475, MedGen C5979921, MONDO:0018772.

Allele frequency attached by ClinVar (database versions not stated): 1000 Genomes Project 30x 0.00031; ExAC 0.00039; gnomAD exomes 0.00039 and 0.00099; 1000 Genomes Project 0.00040; TOPMed 0.00046; gnomAD 0.00052 and 0.00054; ESP Exome Variant Server 0.00089.

Submissions (9):

PreventionGenetics, part of Exact Sciences
Classification: Uncertain significance for MKS1-related condition. Last evaluated: 2026-06-12. Review status: criteria provided, single submitter. Criteria: ACMG Guidelines, 2015. Collection method: clinical testing. Allele origin: germline.
Comment: The MKS1 c.1498A>G variant is predicted to result in the amino acid substitution p.Met500Val. This variant was documented in a patient with Joubert syndrome; however, that individual also had variants in CC2D2A and CEP290 (Patient ID UW088-3 in Supplemental Table, Phelps et al. 2017. PubMed ID: 28771248). This variant is reported in 0.075% of alleles in individuals of European (Non-Finnish) descent in gnomAD, which may be too common for a disease-associated variant. This variant has conflicting interpretations in ClinVar ranging from uncertain to benign (Variation ID: 241187). Although we suspect that this variant may be benign, the clinical significance of this variant is uncertain at this time due to the absence of conclusive functional and genetic evidence.

Labcorp Genetics (formerly Invitae), Labcorp
Classification: Benign for Joubert syndrome; Meckel-Gruber syndrome. Last evaluated: 2026-01-22. Review status: criteria provided, single submitter. Criteria: Invitae Variant Classification Sherloc (09022015). Collection method: clinical testing. Allele origin: germline.

Blueprint Genetics
Classification: Likely benign. Last evaluated: 2024-11-26. Review status: criteria provided, single submitter. Criteria: ACMG Guidelines, 2015. Collection method: clinical testing. Allele origin: germline.

Mayo Clinic Laboratories, Mayo Clinic
Classification: Uncertain significance. Last evaluated: 2024-08-21. Review status: criteria provided, single submitter. Criteria: ACMG Guidelines, 2015. Collection method: clinical testing. Allele origin: germline. Observed: 1 variant allele.
Comment: BP4

Ambry Genetics
Classification: Likely benign for Inborn genetic diseases. Last evaluated: 2022-01-21. Review status: criteria provided, single submitter. Criteria: Ambry Variant Classification Scheme 2023. Collection method: clinical testing. Allele origin: germline.

Department of Pathology and Laboratory Medicine, Sinai Health System
Classification: Uncertain significance for Meckel syndrome, type 1; Bardet-Biedl syndrome 13; Joubert syndrome 28. Last evaluated: 2021-09-01. Review status: criteria provided, single submitter. Criteria: ACMG Guidelines, 2015. Collection method: research. Allele origin: germline.

Illumina Laboratory Services, Illumina
Classification: Uncertain significance for Bardet-Biedl syndrome 13. Last evaluated: 2018-01-12. Review status: criteria provided, single submitter. Criteria: ICSL Variant Classification Criteria 13 December 2019. Collection method: clinical testing. Allele origin: germline.

Illumina Laboratory Services, Illumina
Classification: Uncertain significance for Meckel syndrome, type 1. Last evaluated: 2018-01-12. Review status: criteria provided, single submitter. Criteria: ICSL Variant Classification Criteria 13 December 2019. Collection method: clinical testing. Allele origin: germline.

CeGaT Center for Human Genetics Tuebingen
Classification: Uncertain significance. Last evaluated: 2017-03-01. Review status: criteria provided, single submitter. Criteria: CeGaT Center For Human Genetics Tuebingen Variant Classification Criteria Version 2. Collection method: clinical testing. Allele origin: germline. Affected: yes. Observed: 1 variant allele.

Literature cited by the submitters: PubMed 28771248 (cited by Ambry Genetics).

NM_017777.4(MKS1):c.1498A>G (p.Met500Val)

Gene: MKS1 (MKS transition zone complex subunit 1; minus strand). Cytogenetic location: 17q22.
Variant type: single nucleotide variant.
Coding change: c.1498A>G on transcript NM_017777.4 (MANE Select); coding-DNA position 1498, A replaced by G.
Protein change: p.Met500Val; replaces methionine 500 with valine.
Molecular consequence: missense variant. On other transcripts: synonymous variant (1).
Genome position (GRCh38, 1-based): chr17:58,206,373, T>C on the plus strand (A>G on the coding strand, the complement: MKS1 is on the minus strand). VCF-style: chr17-58206373-T-C. GRCh37 (hg19) VCF-style: chr17-56283734-T-C.
Other names: p.Met500Val; c.889A>G, p.Met297Val (NM_001321268.2); c.1415A>G, p.His472Arg (NM_001321269.2); c.1281A>G, p.Ser427= (NM_001330397.2); short protein forms M500V, H472R, M297V.
Identifiers: ClinVar variation 241187 (VCV000241187.63), dbSNP rs144635826, ClinGen allele CA8669097.